The following is an entry in ClinVar:

NM_181523.3(PIK3R1):c.1460T>C (p.Phe487Ser)

Gene: PIK3R1 (phosphoinositide-3-kinase regulatory subunit 1; plus strand). Cytogenetic location: 5q13.1.
Variant type: single nucleotide variant.
Coding change: c.1460T>C on transcript NM_181523.3 (MANE Select); coding-DNA position 1460, T replaced by C.
Protein change: p.Phe487Ser; replaces phenylalanine 487 with serine.
Molecular consequence: missense variant.
Genome position (GRCh38, 1-based): chr5:68,294,570, T>C. VCF-style: chr5-68294570-T-C. GRCh37 (hg19) VCF-style: chr5-67590398-T-C.
Other names: NM_181523.3(PIK3R1):c.1460T>C; p.Phe487Ser; c.371T>C, p.Phe124Ser (NM_001242466.2); c.650T>C, p.Phe217Ser (NM_181504.4); c.560T>C, p.Phe187Ser (NM_181524.2); short protein forms F487S, F187S, F217S, F124S.
Identifiers: ClinVar variation 209182 (VCV000209182.3), dbSNP rs797045063, ClinGen allele CA276157.
Genomic context (GRCh38, chr5:68,294,570, plus strand): 5'-ATTATCTTTTTAAAATTATGTTGCAGGAAATCCAAATGAAAAGGACAGCTATTGAAGCAT[T>C]TAATGAAACCATAAAAATATTTGAAGAACAGTGCCAGACCCAAGAGCGGTACAGCAAAGA-3'
Protein context (NP_852664.1, residues 477-497): IQMKRTAIEA[Phe487Ser]NETIKIFEEQ

ClinVar aggregate classification (germline): Uncertain significance. Review status: reviewed by expert panel (3 of 4 stars). 2 submissions from 2 submitters: Uncertain significance (1). 1 of the submissions does not count toward it. Last evaluated 2026-05-19.

Conditions:
PIK3R1-related immunodeficiency and SHORT syndrome. Identifiers: MedGen CN379774, MONDO:1060136.
SHORT syndrome. Also called: SHORT STATURE, HYPEREXTENSIBILITY, HERNIA, OCULAR DEPRESSION, RIEGER ANOMALY, AND TEETHING DELAY; PIK3R1-Related SHORT Syndrome; LIPODYSTROPHY, PARTIAL, WITH RIEGER ANOMALY AND SHORT STATURE. Identifiers: Orphanet 3163, MedGen C0878684, MONDO:0010026, OMIM 269880.

Submissions (2):

ClinGen Primary Immune Regulatory Disorders Variant Curation Expert Panel, ClinGen
Classification: Uncertain significance for PIK3R1-related immunodeficiency and SHORT syndrome. Last evaluated: 2026-05-19. Review status: reviewed by expert panel. Criteria: ClinGen AbDef ACMG Specifications PIK3R1 V1.0.0. Collection method: curation. Allele origin: germline. Inheritance: Autosomal dominant inheritance.
Comment: NM_181523.3(PIK3R1):c.1460T>C (p.Phe487Ser) is a missense variant causing substitution of phenylalanine by serine at amino acid 487. This variant is absent from gnomAD v4.1.0 (PM2_Supporting). This variant has been reported in at least 1 proband meeting the VCEP standard for phenotypic criteria, including diagnosis of SHORT syndrome, intellectual disability with microcephaly and structural brain abnormalities (1 pt), dysmorphisms (2 pts), optic neuropathy (1 pt), genital anomalies, delayed puberty, high insulin levels (1 pt), pituitary adenoma (SCV000245523.1), and other clinical features shared through private communication (2 pts), with genotyping by whole exome sequencing that did not identify an alternative basis for disease in the PIK3CD gene (7 total points, PMID: 26633545, ClinVar Accession #: SCV000245523.2, PS4_Supporting). This variant has been identified as a de novo occurrence in the proband with unconfirmed parental relationships, with the phenotype was considered consistent with PIK3R1-related immunodeficiency and SHORT syndrome (7 total phenotype points, PMID: 26633545, SCV000245523.2 PS2_Supporting). The computational predictor REVEL gives a score of 0.785, which is above the ClinGen Antibody Deficiencies VCEP threshold of >0.644 and predicts a damaging effect on PIK3R1 function. The computational predictor CADD gives a PHRED score of 28.6, which is above the ClinGen Antibody Deficiencies VCEP threshold of >26.0 and predicts a deleterious effect on PIK3R1 function. The two predictors agree on a damaging effect (PP3). The splicing impact predictor SpliceAI gives a score of 0.00 for all splicing events, which is below the ClinGen Antibody Deficiencies VCEP recommended threshold of ≥0.1 and does not strongly predict an impact on splicing. In summary, this variant meets the criteria to be classified as a variant of uncertain significance for autosomal dominant PIK3R1-related immunodeficiency and SHORT syndrome based on the ACMG/AMP criteria applied, as specified by the ClinGen Antibody Deficiencies VCEP: PM2_Supporting, PS4_Supporting, PS2_Supporting, and PP3. (VCEP specifications version 1.0.0; date of approval 04/29/2026).

Baylor Genetics
Classification: Likely pathogenic for SHORT syndrome. Last evaluated: 2015-06-12. Review status: criteria provided, single submitter. Criteria: Yang et al. 2013. Collection method: clinical testing. Allele origin: de novo. Inheritance: Autosomal dominant inheritance. Affected: yes. Observed: 1 variant allele, 1 heterozygote. Study: Adult_WES. Not counted in ClinVar's aggregate classification.

Literature cited by the submitters: PubMed 26633545 (cited by Baylor Genetics).